The following is an entry in ClinVar:

NM_000377.3(WAS):c.777+3_777+6del

Gene: WAS (WASP actin nucleation promoting factor; plus strand). Cytogenetic location: Xp11.23.
Variant type: Deletion.
Coding change: c.777+3_777+6del on transcript NM_000377.3 (MANE Select); bases 3 to 6 of the intron after coding-DNA position 777, 4 bases deleted (GAGT; older notation c.777+3_777+6delGAGT).
Molecular consequence: splice donor variant.
Genome position (GRCh38, 1-based): chrX:48,688,099-48,688,102, GAGT deleted; deleting any 4 consecutive bases within chrX:48,688,097-48,688,102 gives the same sequence; the c. name uses the placement nearest the transcript's 3' end. VCF-style (leftmost placement, unchanged base first): chrX-48688096-CGTGA-C. GRCh37 (hg19) VCF-style: chrX-48546485-CGTGA-C.
Identifiers: ClinVar variation 1466589 (VCV001466589.9), dbSNP rs2147265717, ClinGen allele CA2573158938.
Genomic context (GRCh38, chrX:48,688,096, plus strand): 5'-TCTCTTCACCTCTCCCAGGCATGTCAGCCACGTGGGGTGGGACCCCCAGAATGGATTTGA[CGTGA>C]GTAACTTCAGAGTCTCTTGGACTCCACTAAACTTCCACCCACCCTTCCAAAGACCACTGC-3'

ClinVar aggregate classification (germline): Pathogenic. Review status: criteria provided, multiple submitters, no conflicts (2 of 4 stars). 2 submissions from 2 submitters: Pathogenic (2). Last evaluated 2025-09-02.

Conditions:
X-linked severe congenital neutropenia (SCNX). Identifiers: Orphanet 86788, MedGen C1845987, MONDO:0010294, OMIM 300299.
Thrombocytopenia 1. Also called: THROMBOCYTOPENIA, X-LINKED, 1; X-linked thrombocytopenia with normal platelets; X-Linked Thrombocytopenia (XLT). Identifiers: Orphanet 268322, Orphanet 852, MedGen C1839163, MONDO:0010743, OMIM 313900.
Wiskott-Aldrich syndrome (WAS). Also called: Wiskott-aldrich syndrome, somatic; ALDRICH SYNDROME; IMMUNODEFICIENCY 2; WISKOTT-ALDRICH SYNDROME 1. Identifiers: Orphanet 906, MedGen C0043194, MONDO:0010518, OMIM 301000.

Submissions (2):

Labcorp Genetics (formerly Invitae), Labcorp
Classification: Pathogenic for Wiskott-Aldrich syndrome; X-linked severe congenital neutropenia; Thrombocytopenia 1. Last evaluated: 2025-09-02. Review status: criteria provided, single submitter. Criteria: Invitae Variant Classification Sherloc (09022015). Collection method: clinical testing. Allele origin: germline.
Comment: This sequence change falls in intron 8 of the WAS gene. It does not directly change the encoded amino acid sequence of the WAS protein. It affects a nucleotide within the consensus splice site. This variant is not present in population databases (gnomAD no frequency). This variant has been observed in individuals with WAS-related conditions (PMID: 10737997, 35482138, 35874699, 36519321; internal data). It has also been observed to segregate with disease in related individuals. This variant is also known as IVS8+1delGTGA. ClinVar contains an entry for this variant (Variation ID: 1466589). Variants that disrupt the consensus splice site are a relatively common cause of aberrant splicing (PMID: 17576681, 9536098). Algorithms developed to predict the effect of sequence changes on RNA splicing suggest that this variant may disrupt the consensus splice site. For these reasons, this variant has been classified as Pathogenic.

GeneDx
Classification: Pathogenic. Last evaluated: 2025-05-13. Review status: criteria provided, single submitter. Criteria: GeneDx Variant Classification Process June 2021. Collection method: clinical testing. Allele origin: germline. Affected: yes.
Comment: Intronic variant directly or indirectly altering the +5 splice site in a gene for which loss of function is a known mechanism of disease, and splice predictors support a deleterious effect; Not observed at significant frequency in large population cohorts (gnomAD); This variant is associated with the following publications: (PMID: 10737997, 35482138, 35874699, Liubushkin2023_abstract, 36519321)

Literature cited by the submitters: PubMed 10737997 (cited by Labcorp Genetics (formerly Invitae), Labcorp); PubMed 35482138 (cited by Labcorp Genetics (formerly Invitae), Labcorp); PubMed 35874699 (cited by Labcorp Genetics (formerly Invitae), Labcorp); PubMed 36519321 (cited by Labcorp Genetics (formerly Invitae), Labcorp); PubMed 17576681 (cited by Labcorp Genetics (formerly Invitae), Labcorp); PubMed 9536098 (cited by Labcorp Genetics (formerly Invitae), Labcorp).